The following is an entry in ClinVar:

NM_004415.4(DSP):c.5525C>T (p.Thr1842Ile)

Gene: DSP (desmoplakin; plus strand). Cytogenetic location: 6p24.3.
Variant type: single nucleotide variant.
Coding change: c.5525C>T on transcript NM_004415.4 (MANE Select); coding-DNA position 5525, C replaced by T.
Protein change: p.Thr1842Ile; replaces threonine 1842 with isoleucine.
Molecular consequence: missense variant.
Genome position (GRCh38, 1-based): chr6:7,582,787, C>T. VCF-style: chr6-7582787-C-T. GRCh37 (hg19) VCF-style: chr6-7583020-C-T.
Other names: c.3728C>T, p.Thr1243Ile (NM_001008844.3); c.4196C>T, p.Thr1399Ile (NM_001319034.2); short protein forms T1842I, T1243I, T1399I.
Identifiers: ClinVar variation 4793788 (VCV004793788.1).
Genomic context (GRCh38, chr6:7,582,787, plus strand): 5'-TGGAGCAAGACAAGGCAAGGCTGCAGAGGCTGGAGGATGAGCTGAATCGTGCAAAATCAA[C>T]TCTAGAGGCAGAAACCAGGGTGAAACAGCGCCTGGAGTGTGAGAAACAGCAAATTCAGAA-3'
Protein context (NP_004406.2, residues 1832-1852): LEDELNRAKS[Thr1842Ile]LEAETRVKQR

ClinVar aggregate classification (germline): Uncertain significance (1 of 4 stars; one submission).

Conditions:
Arrhythmogenic right ventricular dysplasia 8 (ARVD8). Also called: Arrhythmogenic Right Ventricular Dysplasia/Cardiomyopathy 8; ARRHYTHMOGENIC RIGHT VENTRICULAR DYSPLASIA, FAMILIAL, 8; ARRHYTHMOGENIC RIGHT VENTRICULAR CARDIOMYOPATHY 8. Identifiers: MedGen C1843896, MONDO:0011831, OMIM 607450.
Arrhythmogenic cardiomyopathy with wooly hair and keratoderma. Also called: PALMOPLANTAR KERATODERMA WITH LEFT VENTRICULAR CARDIOMYOPATHY AND WOOLLY HAIR; Dilated cardiomyopathy with woolly hair and keratoderma; Arrhythmogenic cardiomyopathy with woolly hair and keratoderma; Carvajal syndrome. Identifiers: Orphanet 65282, MedGen C1854063, MONDO:0011581, OMIM 605676.

Submission:

Labcorp Genetics (formerly Invitae), Labcorp
Classification: Uncertain significance for Arrhythmogenic cardiomyopathy with wooly hair and keratoderma; Arrhythmogenic right ventricular dysplasia 8. Last evaluated: 2026-01-13. Review status: criteria provided, single submitter. Criteria: Invitae Variant Classification Sherloc (09022015). Collection method: clinical testing. Allele origin: germline.
Comment: This sequence change replaces threonine, which is neutral and polar, with isoleucine, which is neutral and non-polar, at codon 1842 of the DSP protein (p.Thr1842Ile). This variant is not present in population databases (gnomAD no frequency). This variant has not been reported in the literature in individuals affected with DSP-related conditions. An algorithm developed to predict the effect of missense changes on protein structure and function (PolyPhen-2) suggests that this variant is likely to be tolerated. In summary, the available evidence is currently insufficient to determine the role of this variant in disease. Therefore, it has been classified as a Variant of Uncertain Significance.